The following is an entry in ClinVar:

NM_004304.5(ALK):c.2188G>A (p.Ala730Thr)

Gene: ALK (ALK receptor tyrosine kinase; minus strand). Cytogenetic location: 2p23.2.
Variant type: single nucleotide variant.
Coding change: c.2188G>A on transcript NM_004304.5 (MANE Select); coding-DNA position 2188, G replaced by A.
Protein change: p.Ala730Thr; replaces alanine 730 with threonine.
Molecular consequence: missense variant.
Genome position (GRCh38, 1-based): chr2:29,251,121, C>T on the plus strand (G>A on the coding strand, the complement: ALK is on the minus strand). VCF-style: chr2-29251121-C-T. GRCh37 (hg19) VCF-style: chr2-29473987-C-T.
Other names: c.2188G>A (NM_004304.4); short protein forms A730T.
Identifiers: ClinVar variation 1523380 (VCV001523380.9), dbSNP rs1664804373, ClinGen allele CA346476720.
Genomic context (GRCh38, chr2:29,251,121, plus strand): 5'-GGAAGGGGTGGTCTGCCCCTCCCCTCCCCCTCTTCCATACGCACCTGTAGGTGTCGGTGG[C>T]TGGCACCTTCCAGATCTGGATGCCTTTCAGGGGGCCCTCGCTCCCCACCTCCACGCTCAG-3'
Protein context (NP_004295.2, residues 720-740): LKGIQIWKVP[Ala730Thr]TDTYSISGYG

ClinVar aggregate classification (germline): Uncertain significance. Review status: criteria provided, multiple submitters, no conflicts (2 of 4 stars). 2 submissions from 2 submitters: Uncertain significance (2). Last evaluated 2025-06-13.

Conditions:
Hereditary cancer-predisposing syndrome. Also called: Tumor predisposition; Hereditary neoplastic syndrome; Neoplastic Syndromes, Hereditary; Hereditary Cancer Syndrome. Identifiers: Orphanet 140162, MedGen C0027672, MeSH D009386, MONDO:0015356.
Neuroblastoma, susceptibility to, 3. Also called: ALK-Related Neuroblastic Tumor Susceptibility. Identifiers: Orphanet 635, MedGen C2751681, MONDO:0013083, OMIM 613014.

Allele frequency attached by ClinVar (database versions not stated): gnomAD exomes below 0.00001.
gnomAD v4.1: 5 of 1,614,116 alleles (0.00031%); highest among the groups gnomAD compares: East Asian, 0.0067%; no homozygotes.

Submissions (2):

Ambry Genetics
Classification: Uncertain significance for Hereditary cancer-predisposing syndrome. Last evaluated: 2025-06-13. Review status: criteria provided, single submitter. Criteria: Ambry Variant Classification Scheme 2023. Collection method: clinical testing. Allele origin: germline.
Comment: The p.A730T variant (also known as c.2188G>A), located in coding exon 12 of the ALK gene, results from a G to A substitution at nucleotide position 2188. The alanine at codon 730 is replaced by threonine, an amino acid with similar properties. This amino acid position is conserved. In addition, the in silico prediction for this alteration is inconclusive. Based on the available evidence, the clinical significance of this variant remains unclear.

Labcorp Genetics (formerly Invitae), Labcorp
Classification: Uncertain significance for Neuroblastoma, susceptibility to, 3. Last evaluated: 2021-07-02. Review status: criteria provided, single submitter. Criteria: Invitae Variant Classification Sherloc (09022015). Collection method: clinical testing. Allele origin: germline.
Comment: This sequence change replaces alanine with threonine at codon 730 of the ALK protein (p.Ala730Thr). The alanine residue is highly conserved and there is a small physicochemical difference between alanine and threonine. This variant is not present in population databases (ExAC no frequency). This variant has not been reported in the literature in individuals affected with ALK-related conditions. Algorithms developed to predict the effect of missense changes on protein structure and function are either unavailable or do not agree on the potential impact of this missense change (SIFT: "Deleterious"; PolyPhen-2: "Benign"; Align-GVGD: "Class C0"). In summary, the available evidence is currently insufficient to determine the role of this variant in disease. Therefore, it has been classified as a Variant of Uncertain Significance.